The following is an entry in ClinVar:

NM_000257.4(MYH7):c.345C>T (p.Tyr115=)

Gene: MYH7 (myosin heavy chain 7; minus strand). Cytogenetic location: 14q11.2.
Variant type: single nucleotide variant.
Coding change: c.345C>T on transcript NM_000257.4 (MANE Select); coding-DNA position 345, C replaced by T.
Protein change: p.Tyr115=; no amino-acid change (tyrosine 115 retained).
Molecular consequence: synonymous variant.
Genome position (GRCh38, 1-based): chr14:23,433,084, G>A on the plus strand (C>T on the coding strand, the complement: MYH7 is on the minus strand). VCF-style: chr14-23433084-G-A. GRCh37 (hg19) VCF-style: chr14-23902293-G-A.
Other names: p.Tyr115=.
Identifiers: ClinVar variation 42962 (VCV000042962.34), dbSNP rs149439730, ClinGen allele CA013729.

ClinVar aggregate classification (germline): Conflicting classifications of pathogenicity. Review status: criteria provided, conflicting classifications (1 of 4 stars). 14 submissions from 14 submitters: Uncertain significance (1); Benign (1); Likely benign (8). 4 of the submissions do not count toward it. Last evaluated 2025-12-23.

Conditions:
MYH7-related disorder. Also called: MYH7-related condition; MYH7-related disease; MYH7-related disorders.
Cardiovascular phenotype. Identifiers: MedGen CN230736.
Cardiomyopathy (CMYO). Also called: Cardiomyopathies. Identifiers: Orphanet 167848, MedGen C0878544, MONDO:0004994, HP:0001638. Inheritance: Various modes of inheritance.
Hypertrophic cardiomyopathy. Also called: HYPERTROPHIC MYOCARDIOPATHY. Identifiers: Orphanet 217569, MedGen C0007194, MeSH D002312, MONDO:0005045, HP:0001639.

Allele frequency attached by ClinVar (database versions not stated): ExAC 0.00006; TOPMed 0.00009; gnomAD exomes 0.00011; ESP Exome Variant Server 0.00015; 1000 Genomes Project 0.00020; 1000 Genomes Project 30x 0.00031.
gnomAD v4.1: 108 of 1,614,142 alleles (0.0067%); highest among the groups gnomAD compares: Admixed American, 0.038%; no homozygotes.

Submissions (14):

Labcorp Genetics (formerly Invitae), Labcorp
Classification: Uncertain significance for Hypertrophic cardiomyopathy. Last evaluated: 2025-12-23. Review status: criteria provided, single submitter. Criteria: Invitae Variant Classification Sherloc (09022015). Collection method: clinical testing. Allele origin: germline.
Comment: This sequence change affects codon 115 of the MYH7 mRNA. It is a 'silent' change, meaning that it does not change the encoded amino acid sequence of the MYH7 protein. It affects a nucleotide within the consensus splice site. This variant is present in population databases (rs149439730, gnomAD 0.05%). This variant has been observed in individual(s) with dilated cardiomyopathy (internal data). It has also been observed to segregate with disease in related individuals. ClinVar contains an entry for this variant (Variation ID: 42962). Algorithms developed to predict the effect of sequence changes on RNA splicing suggest that this variant is not likely to affect RNA splicing. In summary, the available evidence is currently insufficient to determine the role of this variant in disease. Therefore, it has been classified as a Variant of Uncertain Significance.

CeGaT Center for Human Genetics Tuebingen
Classification: Likely benign. Last evaluated: 2025-11-01. Review status: criteria provided, single submitter. Criteria: CeGaT Center For Human Genetics Tuebingen Variant Classification Criteria Version 2. Collection method: clinical testing. Allele origin: germline. Affected: yes. Observed: 1 variant allele.
Comment: MYH7: BP4, BP7

Molecular Diagnostic Laboratory for Inherited Cardiovascular Disease, Montreal Heart Institute
Classification: Likely benign. Last evaluated: 2025-04-09. Review status: criteria provided, single submitter. Criteria: ACMG Guidelines, 2015. Collection method: clinical testing. Allele origin: germline. Affected: no.

Mayo Clinic Laboratories, Mayo Clinic
Classification: Likely benign. Last evaluated: 2025-02-03. Review status: criteria provided, single submitter. Criteria: ACMG Guidelines, 2015. Collection method: clinical testing. Allele origin: germline. Observed: 1 variant allele.
Comment: BS1, BP4, BP7

Blueprint Genetics
Classification: Likely benign. Last evaluated: 2024-06-26. Review status: criteria provided, single submitter. Criteria: ACMG Guidelines, 2015. Collection method: clinical testing. Allele origin: germline.

Color Diagnostics, LLC DBA Color Health
Classification: Likely benign for Cardiomyopathy. Last evaluated: 2019-12-16. Review status: criteria provided, single submitter. Criteria: ACMG Guidelines, 2015. Collection method: clinical testing. Allele origin: germline.

Ambry Genetics
Classification: Likely benign for Cardiovascular phenotype. Last evaluated: 2019-09-24. Review status: criteria provided, single submitter. Criteria: Ambry Variant Classification Scheme 2023. Collection method: clinical testing. Allele origin: germline.

CHEO Genetics Diagnostic Laboratory, Children's Hospital of Eastern Ontario
Classification: Likely benign for Cardiomyopathy. Last evaluated: 2019-08-15. Review status: criteria provided, single submitter. Criteria: ACMG Guidelines, 2015. Collection method: clinical testing. Allele origin: germline.

Laboratory for Molecular Medicine, Mass General Brigham Personalized Medicine
Classification: Likely benign. Last evaluated: 2018-09-05. Review status: criteria provided, single submitter. Criteria: LMM Criteria. Collection method: clinical testing. Allele origin: germline. Observed: 3 variant alleles.
Comment: proposed classification - variant undergoing re-assessment, contact laboratory

GeneDx
Classification: Benign. Last evaluated: 2015-03-03. Review status: criteria provided, single submitter. Criteria: GeneDx Variant Classification Process June 2021. Collection method: clinical testing. Allele origin: germline. Affected: yes.

PreventionGenetics, part of Exact Sciences
Classification: Likely benign for MYH7-related condition. Last evaluated: 2023-08-18. Review status: no assertion criteria provided. Collection method: clinical testing. Allele origin: germline. Not counted in ClinVar's aggregate classification.
Comment: This variant is classified as likely benign based on ACMG/AMP sequence variant interpretation guidelines (Richards et al. 2015 PMID: 25741868, with internal and published modifications).

Clinical Genetics DNA and cytogenetics Diagnostics Lab, Erasmus MC, Erasmus Medical Center
Classification: Likely benign. Review status: no assertion criteria provided. Collection method: clinical testing. Allele origin: germline. Affected: yes. Study: VKGL Data-share Consensus. Not counted in ClinVar's aggregate classification.

Diagnostic Laboratory, Department of Genetics, University Medical Center Groningen
Classification: Likely benign. Review status: no assertion criteria provided. Collection method: clinical testing. Allele origin: germline. Affected: yes. Study: VKGL Data-share Consensus. Not counted in ClinVar's aggregate classification.

Joint Genome Diagnostic Labs from Nijmegen and Maastricht, Radboudumc and MUMC+
Classification: Likely benign. Review status: no assertion criteria provided. Collection method: clinical testing. Allele origin: germline. Affected: yes. Study: VKGL Data-share Consensus. Not counted in ClinVar's aggregate classification.

Literature cited by the submitters: PubMed 29447731 (cited by Ambry Genetics).